The following is an entry in ClinVar:

NM_004329.3(BMPR1A):c.1342+2T>C

Gene: BMPR1A (bone morphogenetic protein receptor type 1A; plus strand). Cytogenetic location: 10q23.2.
Variant type: single nucleotide variant.
Coding change: c.1342+2T>C on transcript NM_004329.3 (MANE Select); the canonical splice donor site of the intron after coding-DNA position 1342, T replaced by C.
Molecular consequence: splice donor variant.
Genome position (GRCh38, 1-based): chr10:86,921,697, T>C. VCF-style: chr10-86921697-T-C. GRCh37 (hg19) VCF-style: chr10-88681454-T-C.
Other names: c.1342+2T>C (NM_001406562.1, NM_001406568.1, NM_001406567.1 and 19 more transcripts); c.1258+2T>C (NM_001406584.1, NM_001406588.1, NM_001406587.1 and 2 more transcripts); c.1390+2T>C (NM_001406560.1); c.1417+2T>C (NM_001406559.1); c.1336+2T>C (NM_001406583.1); c.1000+2T>C (NM_001406589.1).
Identifiers: ClinVar variation 2584150 (VCV002584150.2), dbSNP rs1589292746, ClinGen allele CA377462475.

ClinVar aggregate classification (germline): Likely pathogenic (1 of 4 stars; one submission).

Conditions:
Juvenile polyposis syndrome (JPS). Identifiers: Orphanet 2929, MedGen C0345893, MONDO:0017380, OMIM 174900.

Submission:

Myriad Genetics, Inc.
Classification: Likely pathogenic for Juvenile polyposis syndrome. Last evaluated: 2023-05-26. Review status: criteria provided, single submitter. Criteria: Myriad Autosomal Dominant, Autosomal Recessive and X-Linked Classification Criteria (2023). Collection method: clinical testing. Allele origin: unknown.
Comment: This variant is considered likely pathogenic. This variant occurs within a consensus splice junction and is predicted to result in abnormal mRNA splicing of either an out-of-frame exon or an in-frame exon necessary for protein stability and/or normal function.